The following is an entry in ClinVar:

NM_004415.4(DSP):c.5057A>T (p.Gln1686Leu)

Gene: DSP (desmoplakin; plus strand). Cytogenetic location: 6p24.3.
Variant type: single nucleotide variant.
Coding change: c.5057A>T on transcript NM_004415.4 (MANE Select); coding-DNA position 5057, A replaced by T.
Protein change: p.Gln1686Leu; replaces glutamine 1686 with leucine.
Molecular consequence: missense variant. On other transcripts: intron variant (2).
Genome position (GRCh38, 1-based): chr6:7,581,247, A>T. VCF-style: chr6-7581247-A-T. GRCh37 (hg19) VCF-style: chr6-7581480-A-T.
Other names: c.4050+1007A>T (NM_001319034.2); c.3583-1395A>T (NM_001008844.3); short protein forms Q1686L.
Identifiers: ClinVar variation 1745068 (VCV001745068.2), dbSNP rs573110383, ClinGen allele CA043785.

ClinVar aggregate classification (germline): Uncertain significance (1 of 4 stars; one submission).

Conditions:
Cardiovascular phenotype. Identifiers: MedGen CN230736.

Allele frequency attached by ClinVar (database versions not stated): gnomAD 0.00001; 1000 Genomes Project 30x 0.00016; 1000 Genomes Project 0.00020.
gnomAD v4.1: 1 of 1,614,190 alleles (0.000062%); highest among the groups gnomAD compares: South Asian, 0.0011%; no homozygotes.

Submission:

Ambry Genetics
Classification: Uncertain significance for Cardiovascular phenotype. Last evaluated: 2022-09-13. Review status: criteria provided, single submitter. Criteria: Ambry Variant Classification Scheme 2023. Collection method: clinical testing. Allele origin: germline.
Comment: The p.Q1686L variant (also known as c.5057A>T), located in coding exon 23 of the DSP gene, results from an A to T substitution at nucleotide position 5057. The glutamine at codon 1686 is replaced by leucine, an amino acid with dissimilar properties. This amino acid position is conserved. In addition, the in silico prediction for this alteration is inconclusive. Since supporting evidence is limited at this time, the clinical significance of this alteration remains unclear.